The following is an entry in ClinVar:

ClinVar aggregate classification (germline): Likely pathogenic (1 of 4 stars; one submission).

Conditions:
Fetal akinesia deformation sequence 3. Identifiers: MedGen C4760599, MONDO:0100103, OMIM 618389.

Submission:

Victorian Clinical Genetics Services, Murdoch Childrens Research Institute
Classification: Likely pathogenic for Fetal akinesia deformation sequence 3. Last evaluated: 2025-09-17. Review status: criteria provided, single submitter. Criteria: ACMG Guidelines, 2015. Collection method: clinical testing. Allele origin: germline. Affected: yes.
Comment: This variant is classified as Likely pathogenic. Evidence in support of pathogenic classification: Variant is predicted to result in a truncated protein (premature termination codon is located within the first 102 nucleotides of the coding sequence and is predicted to escape nonsense-mediated decay); Variant is absent from gnomAD (v2, v3 and v4); Other 5' NMD-escape variant(s) comparable to the one identified in this case have moderate previous evidence for pathogenicity. p.(Gln10Ter) has been classified as pathogenic by a clinical laboratory in ClinVar. In addition, p.(Trp23Ter) has been reported in the literature as compound heterozygous in a fetus with fetal akinesia deformation (PMID: 37849383). Additional information: This variant is homozygous; This gene is associated with autosomal recessive disease; This variant has no previous evidence of pathogenicity; No published evidence of segregation with disease has been identified for this variant; No published functional evidence has been identified for this variant; Loss of function is a known mechanism of disease in this gene and is associated with fetal akinesia deformation sequence 3 (MIM#618389) and congenital myasthenic syndrome 10 (MIM#254300).

Literature cited by the submitters: PubMed 37849383.

NM_173660.5(DOK7):c.23_26dup (p.Gln10fs)

Gene: DOK7 (docking protein 7; plus strand). Cytogenetic location: 4p16.3.
Variant type: Duplication.
Coding change: c.23_26dup on transcript NM_173660.5 (MANE Select); coding-DNA positions 23 to 26, 4 bases duplicated (AGGG; older notation c.23_26dupAGGG).
Protein change: p.Gln10fs; shifts the reading frame from glutamine 10.
Molecular consequence: frameshift variant.
Genome position (GRCh38, 1-based): chr4:3,463,398-3,463,401, AGGG duplicated; duplicating any 4 consecutive bases within chr4:3,463,396-3,463,401 gives the same sequence; the c. name uses the placement nearest the transcript's 3' end. VCF-style (leftmost placement, unchanged base first): chr4-3463395-T-TGGAG. GRCh37 (hg19) VCF-style: chr4-3465122-T-TGGAG.
Other names: c.23_26dup, p.Gln10fs (NM_001164673.2, NM_001301071.2, NM_001363811.2); short protein forms Q10fs.
Identifiers: ClinVar variation 4531938 (VCV004531938.1).